The following is an entry in ClinVar:

NM_022047.4(DEF6):c.1519C>G (p.Gln507Glu)

Gene: DEF6 (DEF6 guanine nucleotide exchange factor; plus strand). Cytogenetic location: 6p21.31.
Variant type: single nucleotide variant.
Coding change: c.1519C>G on transcript NM_022047.4 (MANE Select); coding-DNA position 1519, C replaced by G.
Protein change: p.Gln507Glu; replaces glutamine 507 with glutamic acid.
Molecular consequence: missense variant.
Genome position (GRCh38, 1-based): chr6:35,319,955, C>G. VCF-style: chr6-35319955-C-G. GRCh37 (hg19) VCF-style: chr6-35287732-C-G.
Other names: c.1519C>G (NM_022047.3); short protein forms Q507E.
Identifiers: ClinVar variation 1968483 (VCV001968483.6), dbSNP rs1582235230, ClinGen allele CA363768403.

ClinVar aggregate classification (germline): Uncertain significance. Review status: criteria provided, multiple submitters, no conflicts (2 of 4 stars). 2 submissions from 2 submitters: Uncertain significance (2). Last evaluated 2025-08-26.

Allele frequency attached by ClinVar (database versions not stated): gnomAD 0.00001; TOPMed 0.00001.

Submissions (2):

Ambry Genetics
Classification: Uncertain significance. Last evaluated: 2025-08-26. Review status: criteria provided, single submitter. Criteria: Ambry Variant Classification Scheme 2023. Collection method: clinical testing. Allele origin: germline.

Labcorp Genetics (formerly Invitae), Labcorp
Classification: Uncertain significance. Last evaluated: 2022-02-10. Review status: criteria provided, single submitter. Criteria: Invitae Variant Classification Sherloc (09022015). Collection method: clinical testing. Allele origin: germline.
Comment: In summary, the available evidence is currently insufficient to determine the role of this variant in disease. Therefore, it has been classified as a Variant of Uncertain Significance. Algorithms developed to predict the effect of missense changes on protein structure and function (SIFT, PolyPhen-2, Align-GVGD) all suggest that this variant is likely to be tolerated. This variant has not been reported in the literature in individuals affected with DEF6-related conditions. This variant is not present in population databases (gnomAD no frequency). This sequence change replaces glutamine, which is neutral and polar, with glutamic acid, which is acidic and polar, at codon 507 of the DEF6 protein (p.Gln507Glu).